The following is an entry in ClinVar:

NM_001844.5(COL2A1):c.3920C>A (p.Thr1307Asn)

Gene: COL2A1 (collagen type II alpha 1 chain; minus strand). Cytogenetic location: 12q13.11.
Variant type: single nucleotide variant.
Coding change: c.3920C>A on transcript NM_001844.5 (MANE Select); coding-DNA position 3920, C replaced by A.
Protein change: p.Thr1307Asn; replaces threonine 1307 with asparagine.
Molecular consequence: missense variant.
Genome position (GRCh38, 1-based): chr12:47,974,829, G>T on the plus strand (C>A on the coding strand, the complement: COL2A1 is on the minus strand). VCF-style: chr12-47974829-G-T. GRCh37 (hg19) VCF-style: chr12-48368612-G-T.
Other names: c.3713C>A, p.Thr1238Asn (NM_033150.3); short protein forms T1238N, T1307N.
Identifiers: ClinVar variation 4991719 (VCV004991719.1).

ClinVar aggregate classification (germline): Uncertain significance (1 of 4 stars; one submission).

Conditions:
COL2A1-related disorder. Also called: COL2A1-related condition; COL2A1-related disorders.

gnomAD v4.1: 10 of 1,614,190 alleles (0.00062%); highest among the groups gnomAD compares: Non-Finnish European, 0.00085%; no homozygotes.

Submission:

PreventionGenetics, part of Exact Sciences
Classification: Uncertain significance for COL2A1-related condition. Last evaluated: 2025-08-29. Review status: criteria provided, single submitter. Criteria: ACMG Guidelines, 2015. Collection method: clinical testing. Allele origin: germline.
Comment: The COL2A1 c.3920C>A variant is predicted to result in the amino acid substitution p.Thr1307Asn. To our knowledge, this variant has not been reported in the literature. This variant is reported in 0.00088% of alleles in individuals of European (Non-Finnish) descent in gnomAD. At this time, the clinical significance of this variant is uncertain due to the absence of conclusive functional and genetic evidence.